The following is an entry in ClinVar:

NM_000474.4(TWIST1):c.455C>A (p.Ala152Glu)

Genes: TWIST1 (twist family bHLH transcription factor 1; minus strand), LOC129998021 (ATAC-STARR-seq lymphoblastoid active region 25682; plus strand). Cytogenetic location: 7p21.1.
Variant type: single nucleotide variant.
Coding change: c.455C>A on transcript NM_000474.4 (MANE Select); coding-DNA position 455, C replaced by A.
Protein change: p.Ala152Glu; replaces alanine 152 with glutamic acid.
Molecular consequence: missense variant. On other transcripts: non-coding transcript variant (1).
Genome position (GRCh38, 1-based): chr7:19,116,867, G>T on the plus strand (C>A on the coding strand, the complement: TWIST1 is on the minus strand). VCF-style: chr7-19116867-G-T. GRCh37 (hg19) VCF-style: chr7-19156490-G-T.
Other names: short protein forms A152E.
Identifiers: ClinVar variation 476635 (VCV000476635.10), dbSNP rs1554441982, ClinGen allele CA367015402.

ClinVar aggregate classification (germline): Conflicting classifications of pathogenicity. Review status: criteria provided, conflicting classifications (1 of 4 stars). 3 submissions from 3 submitters: Likely pathogenic (1); Uncertain significance (2). Last evaluated 2025-07-24.

Conditions:
TWIST1-related craniofacial disorders.
Saethre-Chotzen syndrome (SCS). Also called: ACROCEPHALY, SKULL ASYMMETRY, AND MILD SYNDACTYLY; ACS III; CHOTZEN SYNDROME. Identifiers: Orphanet 794, MedGen C0175699, MONDO:0007042, OMIM 101400.
TWIST1-related craniosynostosis (CRS1). Also called: CRANIOSYNOSTOSIS 1. Identifiers: Orphanet 63440, MedGen C4551902, MONDO:0007399, OMIM 123100. Inheritance: Heterogenous inheritance pattern.

Submissions (3):

Rady Children's Institute for Genomic Medicine, Rady Children's Hospital San Diego
Classification: Likely pathogenic for TWIST1-related craniofacial disorders. Last evaluated: 2025-07-24. Review status: criteria provided, single submitter. Criteria: ACMG Guidelines, 2015. Collection method: clinical testing. Allele origin: germline. Affected: yes.
Comment: The c.455C>A (p.Ala152Glu) variant affects a highly conserved amino acid and is predicted by multiple in silico tools to have a deleterious effect on protein function. This variant has not been previously reported or functionally characterized in the literature to our knowledge. Different amino acid changes at the same residue (p.Ala152Pro and p.Ala152Val) have been previously reported in individuals with craniosynostosis and/or clinical features of Saethre-Chotzen Syndrome (PMID: 11748846, 24127277, 9585583, 35591945). The c.455C>A (p.Ala152Glu) variant is absent from the latest version of the gnomAD population database and thus is presumed to be rare. Based on parental analysis, this variant likely occurred as a de novo event. Based on the available evidence, c.455C>A (p.Ala152Glu) is classified as Likely Pathogenic.

GeneDx
Classification: Uncertain significance. Last evaluated: 2020-01-30. Review status: criteria provided, single submitter. Criteria: GeneDx Variant Classification Process June 2021. Collection method: clinical testing. Allele origin: germline. Affected: yes.
Comment: Not observed in large population cohorts (Lek et al., 2016); In silico analysis supports that this missense variant has a deleterious effect on protein structure/function; Has not been previously published as pathogenic or benign to our knowledge

Labcorp Genetics (formerly Invitae), Labcorp
Classification: Uncertain significance for TWIST1-related craniosynostosis; Saethre-Chotzen syndrome. Last evaluated: 2017-04-16. Review status: criteria provided, single submitter. Criteria: Invitae Variant Classification Sherloc (09022015). Collection method: clinical testing. Allele origin: germline.
Comment: This variant is not present in population databases (ExAC no frequency) and has not been reported in the literature in individuals with a TWIST1-related disease. In summary, this variant is a novel missense change with uncertain impact on protein function. It has been classified as a Variant of Uncertain Significance. Algorithms developed to predict the effect of missense changes on protein structure and function (SIFT, PolyPhen-2, Align-GVGD) all suggest that this variant is likely to be disruptive, but these predictions have not been confirmed by published functional studies. This sequence change replaces alanine with glutamic acid at codon 152 of the TWIST1 protein (p.Ala152Glu). The alanine residue is highly conserved and there is a moderate physicochemical difference between alanine and glutamic acid.

Literature cited by the submitters: PubMed 9585583 (cited by Rady Children's Institute for Genomic Medicine, Rady Children's Hospital San Diego); PubMed 11748846 (cited by Rady Children's Institute for Genomic Medicine, Rady Children's Hospital San Diego); PubMed 24127277 (cited by Rady Children's Institute for Genomic Medicine, Rady Children's Hospital San Diego); PubMed 35591945 (cited by Rady Children's Institute for Genomic Medicine, Rady Children's Hospital San Diego).